The following is an entry in ClinVar:

ClinVar aggregate classification (germline): Uncertain significance (1 of 4 stars; one submission).

Conditions:
Episodic ataxia type 1 (EA1). Also called: Episodic ataxia/myokymia syndrome; ATAXIA, EPISODIC, WITH MYOKYMIA; MYOKYMIA WITH PERIODIC ATAXIA; PAROXYSMAL ATAXIA WITH NEUROMYOTONIA, HEREDITARY. Identifiers: Orphanet 37612, Orphanet 972, MedGen C1719788, MONDO:0008047, OMIM 160120.

Submission:

Labcorp Genetics (formerly Invitae), Labcorp
Classification: Uncertain significance for Episodic ataxia type 1. Last evaluated: 2026-01-12. Review status: criteria provided, single submitter. Criteria: Invitae Variant Classification Sherloc (09022015). Collection method: clinical testing. Allele origin: germline.
Comment: This sequence change replaces glutamic acid, which is acidic and polar, with glycine, which is neutral and non-polar, at codon 134 of the KCNA1 protein (p.Glu134Gly). This variant is not present in population databases (gnomAD no frequency). This variant has not been reported in the literature in individuals affected with KCNA1-related conditions. ClinVar contains an entry for this variant (Variation ID: 2092516). Invitae Evidence Modeling of protein sequence and biophysical properties (such as structural, functional, and spatial information, amino acid conservation, physicochemical variation, residue mobility, and thermodynamic stability) indicates that this missense variant is expected to disrupt KCNA1 protein function with a positive predictive value of 95%. In summary, the available evidence is currently insufficient to determine the role of this variant in disease. Therefore, it has been classified as a Variant of Uncertain Significance.

NM_000217.3(KCNA1):c.401A>G (p.Glu134Gly)

Gene: KCNA1 (potassium voltage-gated channel subfamily A member 1; plus strand). Cytogenetic location: 12p13.32.
Variant type: single nucleotide variant.
Coding change: c.401A>G on transcript NM_000217.3 (MANE Select); coding-DNA position 401, A replaced by G.
Protein change: p.Glu134Gly; replaces glutamic acid 134 with glycine.
Molecular consequence: missense variant.
Genome position (GRCh38, 1-based): chr12:4,911,779, A>G. VCF-style: chr12-4911779-A-G. GRCh37 (hg19) VCF-style: chr12-5020945-A-G.
Other names: short protein forms E134G.
Identifiers: ClinVar variation 2092516 (VCV002092516.4), dbSNP rs2497352199, ClinGen allele CA383454482.